The following is an entry in ClinVar:

NM_001080467.3(MYO5B):c.4613A>C (p.Lys1538Thr)

Genes: MYO5B (myosin VB; minus strand), SNHG22 (small nucleolar RNA host gene 22; plus strand). Cytogenetic location: 18q21.1.
Variant type: single nucleotide variant.
Coding change: c.4613A>C on transcript NM_001080467.3 (MANE Select); coding-DNA position 4613, A replaced by C.
Protein change: p.Lys1538Thr; replaces lysine 1538 with threonine.
Molecular consequence: missense variant.
Genome position (GRCh38, 1-based): chr18:49,841,453, T>G on the plus strand (A>C on the coding strand, the complement: MYO5B is on the minus strand). VCF-style: chr18-49841453-T-G. GRCh37 (hg19) VCF-style: chr18-47367823-T-G.
Other names: short protein forms K1538T.
Identifiers: ClinVar variation 3357084 (VCV003357084.1).

ClinVar aggregate classification (germline): Uncertain significance (0 of 4 stars; one submission).

Conditions:
MYO5B-related disorder. Also called: MYO5B-related condition.

gnomAD v4.1: 3 of 1,614,066 alleles (0.00019%); highest among the groups gnomAD compares: Admixed American, 0.005%; no homozygotes.

Submission:

PreventionGenetics, part of Exact Sciences
Classification: Uncertain significance for MYO5B-related condition. Last evaluated: 2024-03-06. Review status: no assertion criteria provided. Collection method: clinical testing. Allele origin: germline.
Comment: The MYO5B c.4613A>C variant is predicted to result in the amino acid substitution p.Lys1538Thr. To our knowledge, this variant has not been reported in the literature. This variant is reported in 0.0085% of alleles in individuals of Latino descent in gnomAD. At this time, the clinical significance of this variant is uncertain due to the absence of conclusive functional and genetic evidence.